The following is an entry in ClinVar:

ClinVar aggregate classification (germline): Uncertain significance (1 of 4 stars; one submission).

Submission:

Women's Health and Genetics/Laboratory Corporation of America, LabCorp
Classification: Uncertain significance. Last evaluated: 2021-10-28. Review status: criteria provided, single submitter. Criteria: LabCorp Variant Classification Summary - May 2015. Collection method: clinical testing. Allele origin: germline.
Comment: Variant summary: FAM111B c.103_104delCA (p.His35CysfsX2) results in a premature termination codon, predicted to cause a truncation of the encoded protein or absence of the protein due to nonsense mediated decay. However, molecular mechanism of the disease-causing variants in this gene is not established. The variant was absent in 248730 control chromosomes. The available data on variant occurrences in the general population are insufficient to allow any conclusion about variant significance. To our knowledge, no occurrence of c.103_104delCA in individuals affected with Poikiloderma, Hereditary Fibrosing, With Tendon Contractures, Myopathy, And Pulmonary Fibrosis and no experimental evidence demonstrating its impact on protein function have been reported. No clinical diagnostic laboratories have submitted clinical-significance assessments for this variant to ClinVar after 2014. Based on the evidence outlined above, the variant was classified as uncertain significance.

NM_198947.4(FAM111B):c.103_104del (p.His35fs)

Gene: FAM111B (FAM111 trypsin like peptidase B; plus strand). Cytogenetic location: 11q12.1.
Variant type: Microsatellite.
Coding change: c.103_104del on transcript NM_198947.4 (MANE Select); coding-DNA positions 103 to 104, 2 bases deleted (CA; older notation c.103_104delCA).
Protein change: p.His35fs; shifts the reading frame from histidine 35.
Molecular consequence: frameshift variant.
Genome position (GRCh38, 1-based): chr11:59,124,200-59,124,201, CA deleted; deleting any 2 consecutive bases within chr11:59,124,197-59,124,201 gives the same sequence; the c. name uses the placement nearest the transcript's 3' end. VCF-style (leftmost placement, unchanged base first): chr11-59124196-GAC-G. GRCh37 (hg19) VCF-style: chr11-58891669-GAC-G.
Other names: c.13_14del, p.His5fs (NM_001142703.2, NM_001142704.2); short protein forms H35fs, H5fs.
Identifiers: ClinVar variation 1321437 (VCV001321437.1), dbSNP rs2135403553, ClinGen allele CA2574831578.
Genomic context (GRCh38, chr11:59,124,196, plus strand): 5'-TAAAGGTGATTCTTGTTAACCTCTTTAATCTTTCCTTTTTAAGGATACTGTCATGAAGCA[GAC>G]ACATGCTGACACACCTGTTGATCATTGTCTATCTGGCATAAGAAAGTGTAGCAGCACCTT-3'